The following is an entry in ClinVar:

ClinVar aggregate classification (germline): Likely pathogenic. Review status: criteria provided, multiple submitters, no conflicts (2 of 4 stars). 4 submissions from 4 submitters: Likely pathogenic (4). Last evaluated 2025-11-26.

Conditions:
Tay-Sachs disease, variant AB. Also called: Gm2-gangliosidosis, ab variant; GM2 Activator Deficiency. Identifiers: Orphanet 309246, MedGen C0268275, MONDO:0010099, OMIM 272750.

Submissions (4):

GeneDx
Classification: Likely pathogenic. Last evaluated: 2025-11-26. Review status: criteria provided, single submitter. Criteria: GeneDx Variant Classification Process June 2021. Collection method: clinical testing. Allele origin: germline. Affected: yes.
Comment: Frameshift variant predicted to result in abnormal protein length as the last 71 amino acid(s) are replaced with 47 different amino acid(s), and other similar variants have been reported in HGMD; Has not been previously published as pathogenic or benign to our knowledge

Labcorp Genetics (formerly Invitae), Labcorp
Classification: Likely pathogenic for Tay-Sachs disease, variant AB. Last evaluated: 2025-09-22. Review status: criteria provided, single submitter. Criteria: Invitae Variant Classification Sherloc (09022015). Collection method: clinical testing. Allele origin: germline.
Comment: This sequence change creates a premature translational stop signal (p.Glu123Serfs*48) in the GM2A gene. While this is not anticipated to result in nonsense mediated decay, it is expected to disrupt the last 71 amino acid(s) of the GM2A protein. This variant is present in population databases (no rsID available, gnomAD 0.009%). This variant has not been reported in the literature in individuals affected with GM2A-related conditions. ClinVar contains an entry for this variant (Variation ID: 1305434). This variant disrupts the C-terminus of the GM2A protein. Other variant(s) that disrupt this region (p.E158*, p.Pro124Leufs*48, p.His137Profs*34) have been observed in individuals with GM2A-related conditions (PMID: 8900233, 27402091, 28192816). This suggests that this may be a clinically significant region of the protein. In summary, the currently available evidence indicates that the variant is pathogenic, but additional data are needed to prove that conclusively. Therefore, this variant has been classified as Likely Pathogenic.

Fulgent Genetics
Classification: Likely pathogenic for Tay-Sachs disease, variant AB. Last evaluated: 2024-05-01. Review status: criteria provided, single submitter. Criteria: ACMG Guidelines, 2015. Collection method: clinical testing. Allele origin: germline.

Centrogen, Centro de Genomica y Genetica Clinica Guatemala
Classification: Likely pathogenic for Tay-Sachs disease, variant AB. Last evaluated: 2023-06-20. Review status: criteria provided, single submitter. Criteria: CENTROGEN Variant Classification V1 Aug 2026. Collection method: provider interpretation. Allele origin: germline. Affected: yes. Observed: 1 variant allele, 1 homozygote. Segregation with disease observed.
Comment: NM_000405.4:c.367del is a single-nucleotide deletion that shifts the reading frame and introduces a premature termination codon, predicted to yield an absent or non-functional GM2 activator protein. Loss of function is the established mechanism of disease for GM2-gangliosidosis, AB variant. Under the Abou Tayoun (2018) decision tree specified in Centrogen's criteria, PVS1 was modulated from very strong to strong . It is absent from gnomAD; Centrogen fixes PM2 at supporting strength following the ClinGen SVI recommendation. The proband's phenotype is consistent with GM2-gangliosidosis, AB variant, and includes a diagnostic finding specific to the disorder, which supports PP4 at moderate strength under Centrogen's criteria. The observed features are provided as HPO terms in the case-level data of this submission. Classification follows the ACMG/AMP point scale of Tavtigian (2020) with ClinGen SVI specifications, as described in Centrogen's assertion criteria document, where 6 to 9 points corresponds to likely pathogenic. Evidence applied: PVS1_Strong (+4), PM2 (+1), PM3 (+2), PP4_Moderate (+2). Total 9 points. Classified as likely pathogenic. Note: This variant was found in clinical genetic testing performed by one or more labs who may also submit to ClinVar. Therefore, any internal case data may overlap with the internal case data of other submitters. The classification and rationale are that of Centrogen, Centro de Genomica y Genetica Clinica Guatemala.

Literature cited by the submitters: PubMed 8900233 (cited by Labcorp Genetics (formerly Invitae), Labcorp); PubMed 27402091 (cited by Labcorp Genetics (formerly Invitae), Labcorp); PubMed 28192816 (cited by Labcorp Genetics (formerly Invitae), Labcorp).

NM_000405.5(GM2A):c.367del (p.Glu123fs)

Gene: GM2A (ganglioside GM2 activator; plus strand). Cytogenetic location: 5q33.1.
Variant type: Deletion.
Coding change: c.367del on transcript NM_000405.5 (MANE Select); coding-DNA position 367, one base deleted (G; older notation c.367delG).
Protein change: p.Glu123fs; shifts the reading frame from glutamic acid 123.
Molecular consequence: frameshift variant.
Genome position (GRCh38, 1-based): chr5:151,266,854, G deleted; the last of 4 consecutive G bases (chr5:151,266,851-151,266,854); deleting any one gives the same sequence. VCF-style (leftmost placement, unchanged base first): chr5-151266850-TG-T. GRCh37 (hg19) VCF-style: chr5-150646411-TG-T.
Other names: c.367del, p.Glu123fs (NM_001167607.3); short protein forms E123fs.
Identifiers: ClinVar variation 1305434 (VCV001305434.10), dbSNP rs1302210667, ClinGen allele CA563957705.